The following is an entry in ClinVar:

NM_015100.4(POGZ):c.2913G>A (p.Glu971=)

Gene: POGZ (pogo transposable element derived with ZNF domain; minus strand). Cytogenetic location: 1q21.3.
Variant type: single nucleotide variant.
Coding change: c.2913G>A on transcript NM_015100.4 (MANE Select); coding-DNA position 2913, G replaced by A.
Protein change: p.Glu971=; no amino-acid change (glutamic acid 971 retained).
Molecular consequence: synonymous variant.
Genome position (GRCh38, 1-based): chr1:151,406,122, C>T on the plus strand (G>A on the coding strand, the complement: POGZ is on the minus strand). VCF-style: chr1-151406122-C-T. GRCh37 (hg19) VCF-style: chr1-151378598-C-T.
Other names: c.2886G>A, p.Glu962= (NM_001194937.2); c.2727G>A, p.Glu909= (NM_001194938.2); c.2628G>A, p.Glu876= (NM_145796.4); c.2754G>A, p.Glu918= (NM_207171.2).
Identifiers: ClinVar variation 588584 (VCV000588584.37), dbSNP rs113903415, ClinGen allele CA1091036.

ClinVar aggregate classification (germline): Benign/Likely benign. Review status: criteria provided, multiple submitters, no conflicts (2 of 4 stars). 8 submissions from 8 submitters: Benign (2); Likely benign (5). 1 of the submissions does not count toward it. Last evaluated 2025-03-01.

Conditions:
POGZ-related disorder. Also called: POGZ-related condition.
Intellectual disability-microcephaly-strabismus-behavioral abnormalities syndrome. Also called: White-Sutton Syndrome. Identifiers: Orphanet 468678, MedGen C4225351, MONDO:0014606, OMIM 616364.
Inborn genetic diseases. Identifiers: MedGen C0950123, MeSH D030342.

Allele frequency attached by ClinVar (database versions not stated): gnomAD exomes 0.00009 and 0.00026; ExAC 0.00035; 1000 Genomes Project 30x 0.00047; 1000 Genomes Project 0.00060; gnomAD 0.00130 and 0.00143; ESP Exome Variant Server 0.00131; TOPMed 0.00145.
gnomAD v4.1: 338 of 1,614,236 alleles (0.021%); highest among the groups gnomAD compares: African/African-American, 0.4%; 1 homozygote.

Submissions (8):

CeGaT Center for Human Genetics Tuebingen
Classification: Likely benign. Last evaluated: 2025-03-01. Review status: criteria provided, single submitter. Criteria: CeGaT Center For Human Genetics Tuebingen Variant Classification Criteria Version 2. Collection method: clinical testing. Allele origin: germline. Affected: yes. Observed: 2 variant alleles.
Comment: POGZ: BP4, BP7

Blueprint Genetics
Classification: Likely benign. Last evaluated: 2024-06-17. Review status: criteria provided, single submitter. Criteria: ACMG Guidelines, 2015. Collection method: clinical testing. Allele origin: germline.

Genome-Nilou Lab
Classification: Likely benign for Intellectual disability-microcephaly-strabismus-behavioral abnormalities syndrome. Last evaluated: 2023-04-11. Review status: criteria provided, single submitter. Criteria: ACMG Guidelines, 2015. Collection method: clinical testing. Allele origin: germline. Affected: no.

GeneDx
Classification: Benign. Last evaluated: 2020-06-05. Review status: criteria provided, single submitter. Criteria: GeneDx Variant Classification Process June 2021. Collection method: clinical testing. Allele origin: germline. Affected: yes.

Labcorp Genetics (formerly Invitae), Labcorp
Classification: Benign. Last evaluated: 2019-12-31. Review status: criteria provided, single submitter. Criteria: Invitae Variant Classification Sherloc (09022015). Collection method: clinical testing. Allele origin: germline.

Ambry Genetics
Classification: Likely benign for Inborn genetic diseases. Last evaluated: 2016-12-23. Review status: criteria provided, single submitter. Criteria: Ambry Variant Classification Scheme 2023. Collection method: clinical testing. Allele origin: germline.

Breakthrough Genomics
Classification: Likely benign. Review status: criteria provided, single submitter. Criteria: ACMG Guidelines, 2015. Collection method: not provided. Allele origin: germline. Inheritance: Autosomal dominant inheritance. Affected: yes.

PreventionGenetics, part of Exact Sciences
Classification: Benign for POGZ-related condition. Last evaluated: 2019-05-08. Review status: no assertion criteria provided. Collection method: clinical testing. Allele origin: germline. Not counted in ClinVar's aggregate classification.
Comment: This variant is classified as benign based on ACMG/AMP sequence variant interpretation guidelines (Richards et al. 2015 PMID: 25741868, with internal and published modifications).